The following is an entry in ClinVar:

NM_000098.3(CPT2):c.552C>G (p.Asp184Glu)

Gene: CPT2 (carnitine palmitoyltransferase 2; plus strand). Cytogenetic location: 1p32.3.
Variant type: single nucleotide variant.
Coding change: c.552C>G on transcript NM_000098.3 (MANE Select); coding-DNA position 552, C replaced by G.
Protein change: p.Asp184Glu; replaces aspartic acid 184 with glutamic acid.
Molecular consequence: missense variant.
Genome position (GRCh38, 1-based): chr1:53,210,226, C>G. VCF-style: chr1-53210226-C-G. GRCh37 (hg19) VCF-style: chr1-53675898-C-G.
Other names: c.552C>G, p.Asp184Glu (NM_001330589.2); short protein forms D184E.
Identifiers: ClinVar variation 1418538 (VCV001418538.3), dbSNP rs1236021604, ClinGen allele CA340392626.

ClinVar aggregate classification (germline): Uncertain significance (1 of 4 stars; one submission).

Conditions:
Carnitine palmitoyltransferase II deficiency. Also called: Carnitine Palmitoyltransferase 2 Deficiency. Identifiers: Orphanet 157, MedGen C0342790, MONDO:0015515.

Allele frequency attached by ClinVar (database versions not stated): gnomAD 0.00001; TOPMed 0.00001.
gnomAD v4.1: 2 of 1,613,980 alleles (0.00012%); highest among the groups gnomAD compares: African/African-American, 0.0027%; no homozygotes.

Submission:

Labcorp Genetics (formerly Invitae), Labcorp
Classification: Uncertain significance for Carnitine palmitoyltransferase II deficiency. Last evaluated: 2021-07-30. Review status: criteria provided, single submitter. Criteria: Invitae Variant Classification Sherloc (09022015). Collection method: clinical testing. Allele origin: germline.
Comment: This sequence change replaces aspartic acid with glutamic acid at codon 184 of the CPT2 protein (p.Asp184Glu). The aspartic acid residue is highly conserved and there is a small physicochemical difference between aspartic acid and glutamic acid. This variant is not present in population databases (ExAC no frequency). This variant has not been reported in the literature in individuals affected with CPT2-related conditions. Advanced modeling of protein sequence and biophysical properties (such as structural, functional, and spatial information, amino acid conservation, physicochemical variation, residue mobility, and thermodynamic stability) performed at Invitae indicates that this missense variant is not expected to disrupt CPT2 protein function. In summary, the available evidence is currently insufficient to determine the role of this variant in disease. Therefore, it has been classified as a Variant of Uncertain Significance.